The following is an entry in ClinVar:

NM_006361.6(HOXB13):c.476G>A (p.Arg159Gln)

Gene: HOXB13 (homeobox B13; minus strand). Cytogenetic location: 17q21.32.
Variant type: single nucleotide variant.
Coding change: c.476G>A on transcript NM_006361.6 (MANE Select); coding-DNA position 476, G replaced by A.
Protein change: p.Arg159Gln; replaces arginine 159 with glutamine.
Molecular consequence: missense variant.
Genome position (GRCh38, 1-based): chr17:48,728,118, C>T on the plus strand (G>A on the coding strand, the complement: HOXB13 is on the minus strand). VCF-style: chr17-48728118-C-T. GRCh37 (hg19) VCF-style: chr17-46805480-C-T.
Other names: c.476G>A (NM_006361.5); short protein forms R159Q.
Identifiers: ClinVar variation 1492024 (VCV001492024.7), dbSNP rs1241042961, ClinGen allele CA400107378.

ClinVar aggregate classification (germline): Uncertain significance. Review status: criteria provided, multiple submitters, no conflicts (2 of 4 stars). 2 submissions from 2 submitters: Uncertain significance (2). Last evaluated 2025-05-21.

Conditions:
Hereditary cancer-predisposing syndrome. Also called: Tumor predisposition; Hereditary neoplastic syndrome; Neoplastic Syndromes, Hereditary; Hereditary Cancer Syndrome. Identifiers: Orphanet 140162, MedGen C0027672, MeSH D009386, MONDO:0015356.

Submissions (2):

Ambry Genetics
Classification: Uncertain significance for Hereditary cancer-predisposing syndrome. Last evaluated: 2025-05-21. Review status: criteria provided, single submitter. Criteria: Ambry Variant Classification Scheme 2023. Collection method: clinical testing. Allele origin: germline.
Comment: The p.R159Q variant (also known as c.476G>A), located in coding exon 1 of the HOXB13 gene, results from a G to A substitution at nucleotide position 476. The arginine at codon 159 is replaced by glutamine, an amino acid with highly similar properties. This amino acid position is conserved. In addition, this alteration is predicted to be deleterious by in silico analysis. Based on the available evidence, the clinical significance of this variant remains unclear.

Labcorp Genetics (formerly Invitae), Labcorp
Classification: Uncertain significance. Last evaluated: 2025-02-02. Review status: criteria provided, single submitter. Criteria: Invitae Variant Classification Sherloc (09022015). Collection method: clinical testing. Allele origin: germline.
Comment: This sequence change replaces arginine, which is basic and polar, with glutamine, which is neutral and polar, at codon 159 of the HOXB13 protein (p.Arg159Gln). This variant is not present in population databases (gnomAD no frequency). This variant has not been reported in the literature in individuals affected with HOXB13-related conditions. ClinVar contains an entry for this variant (Variation ID: 1492024). Invitae Evidence Modeling of protein sequence and biophysical properties (such as structural, functional, and spatial information, amino acid conservation, physicochemical variation, residue mobility, and thermodynamic stability) indicates that this missense variant is not expected to disrupt HOXB13 protein function with a negative predictive value of 80%. In summary, the available evidence is currently insufficient to determine the role of this variant in disease. Therefore, it has been classified as a Variant of Uncertain Significance.